The following is an entry in ClinVar:

NM_001110556.2(FLNA):c.268C>T (p.His90Tyr)

Gene: FLNA (filamin A; minus strand). Cytogenetic location: Xq28.
Variant type: single nucleotide variant.
Coding change: c.268C>T on transcript NM_001110556.2 (MANE Select); coding-DNA position 268, C replaced by T.
Protein change: p.His90Tyr; replaces histidine 90 with tyrosine.
Molecular consequence: missense variant.
Genome position (GRCh38, 1-based): chrX:154,370,978, G>A on the plus strand (C>T on the coding strand, the complement: FLNA is on the minus strand). VCF-style: chrX-154370978-G-A. GRCh37 (hg19) VCF-style: chrX-153599346-G-A.
Other names: c.268C>T, p.His90Tyr (NM_001456.4); short protein forms H90Y.
Identifiers: ClinVar variation 1460973 (VCV001460973.8), dbSNP rs2148121905, ClinGen allele CA415254661.

ClinVar aggregate classification (germline): Uncertain significance (1 of 4 stars; one submission).

Conditions:
Oto-palato-digital syndrome, type II (OPD2). Also called: FACIOPALATOOSSEOUS SYNDROME; OPD II SYNDROME; Otopalatodigital Syndrome, Type II; Otopalatodigital Syndrome Type 2 (FLNA-OPD2). Identifiers: Orphanet 669, Orphanet 90652, MedGen C1844696, MONDO:0010571, OMIM 304120.
Heterotopia, periventricular, X-linked dominant (PVNH1). Also called: PERIVENTRICULAR NODULAR HETEROTOPIA 4; HETEROTOPIA, PERIVENTRICULAR, 1; PERIVENTRICULAR NODULAR HETEROTOPIA 1; X-linked periventricular heterotopia. Identifiers: Orphanet 2149, Orphanet 82004, MedGen C1848213, MONDO:0010233, OMIM 300049.
Melnick-Needles syndrome (MNS). Also called: MELNICK-NEEDLES OSTEODYSPLASTY; OSTEODYSPLASTY OF MELNICK AND NEEDLES; Melnick-Needles Syndrome (FLNA-MNS). Identifiers: Orphanet 2484, MedGen C0025237, MONDO:0010650, OMIM 309350.
Frontometaphyseal dysplasia (FMD1). Identifiers: Orphanet 1826, MedGen C0265293, MONDO:0015942.

Submission:

Labcorp Genetics (formerly Invitae), Labcorp
Classification: Uncertain significance for Oto-palato-digital syndrome, type II; Heterotopia, periventricular, X-linked dominant; Frontometaphyseal dysplasia; Melnick-Needles syndrome. Last evaluated: 2021-05-13. Review status: criteria provided, single submitter. Criteria: Invitae Variant Classification Sherloc (09022015). Collection method: clinical testing. Allele origin: germline.
Comment: In summary, the available evidence is currently insufficient to determine the role of this variant in disease. Therefore, it has been classified as a Variant of Uncertain Significance. Algorithms developed to predict the effect of sequence changes on RNA splicing suggest that this variant may create or strengthen a splice site, but this prediction has not been confirmed by published transcriptional studies. Advanced modeling of protein sequence and biophysical properties (such as structural, functional, and spatial information, amino acid conservation, physicochemical variation, residue mobility, and thermodynamic stability) performed at Invitae indicates that this missense variant is not expected to disrupt FLNA protein function. This variant has not been reported in the literature in individuals with FLNA-related conditions. This variant is not present in population databases (ExAC no frequency). This sequence change replaces histidine with tyrosine at codon 90 of the FLNA protein (p.His90Tyr). The histidine residue is moderately conserved and there is a moderate physicochemical difference between histidine and tyrosine.